The following is an entry in ClinVar:

ClinVar aggregate classification (germline): Uncertain significance (1 of 4 stars; one submission).

Conditions:
Hypertrophic cardiomyopathy 26. Also called: Cardiomyopathy, familial hypertrophic, 26. Identifiers: Orphanet 75249, MedGen C4310749, MONDO:0014883, OMIM 617047.
Myofibrillar myopathy 5. Also called: Filaminopathy (type); FILAMINOPATHY, AUTOSOMAL DOMINANT. Identifiers: Orphanet 171445, MedGen C1836050, MONDO:0012289, OMIM 609524.
Distal myopathy with posterior leg and anterior hand involvement. Also called: WILLIAMS DISTAL MYOPATHY. Identifiers: Orphanet 63273, MedGen C3279722, MONDO:0013550, OMIM 614065.

Submission:

Labcorp Genetics (formerly Invitae), Labcorp
Classification: Uncertain significance for Distal myopathy with posterior leg and anterior hand involvement; Myofibrillar myopathy 5; Hypertrophic cardiomyopathy 26. Last evaluated: 2025-12-19. Review status: criteria provided, single submitter. Criteria: Invitae Variant Classification Sherloc (09022015). Collection method: clinical testing. Allele origin: germline.
Comment: This sequence change replaces threonine, which is neutral and polar, with alanine, which is neutral and non-polar, at codon 1274 of the FLNC protein (p.Thr1274Ala). This variant is not present in population databases (gnomAD no frequency). This variant has not been reported in the literature in individuals affected with FLNC-related conditions. ClinVar contains an entry for this variant (Variation ID: 3749472). Invitae Evidence Modeling of protein sequence and biophysical properties (such as structural, functional, and spatial information, amino acid conservation, physicochemical variation, residue mobility, and thermodynamic stability) has been performed for this missense variant. However, the output from this modeling did not meet the statistical confidence thresholds required to predict the impact of this variant on FLNC protein function. In summary, the available evidence is currently insufficient to determine the role of this variant in disease. Therefore, it has been classified as a Variant of Uncertain Significance.

NM_001458.5(FLNC):c.3820A>G (p.Thr1274Ala)

Gene: FLNC (filamin C; plus strand). Cytogenetic location: 7q32.1.
Variant type: single nucleotide variant.
Coding change: c.3820A>G on transcript NM_001458.5 (MANE Select); coding-DNA position 3820, A replaced by G.
Protein change: p.Thr1274Ala; replaces threonine 1274 with alanine.
Molecular consequence: missense variant.
Genome position (GRCh38, 1-based): chr7:128,846,019, A>G. VCF-style: chr7-128846019-A-G. GRCh37 (hg19) VCF-style: chr7-128486073-A-G.
Other names: c.3820A>G, p.Thr1274Ala (NM_001127487.2); short protein forms T1274A.
Identifiers: ClinVar variation 3749472 (VCV003749472.2).